The following is an entry in ClinVar:

NM_006514.4(SCN10A):c.1345C>T (p.Pro449Ser)

Gene: SCN10A (sodium voltage-gated channel alpha subunit 10; minus strand). Cytogenetic location: 3p22.2.
Variant type: single nucleotide variant.
Coding change: c.1345C>T on transcript NM_006514.4 (MANE Select); coding-DNA position 1345, C replaced by T.
Protein change: p.Pro449Ser; replaces proline 449 with serine.
Molecular consequence: missense variant.
Genome position (GRCh38, 1-based): chr3:38,755,904, G>A on the plus strand (C>T on the coding strand, the complement: SCN10A is on the minus strand). VCF-style: chr3-38755904-G-A. GRCh37 (hg19) VCF-style: chr3-38797395-G-A.
Other names: c.1345C>T, p.Pro449Ser (NM_001293306.2, NM_001293307.2); short protein forms P449S.
Identifiers: ClinVar variation 1474032 (VCV001474032.6), dbSNP rs2126027158, ClinGen allele CA352169003.
Genomic context (GRCh38, chr3:38,755,904, plus strand): 5'-CCTCTGACACTCTTGGCTTTATTCTATGCCTTCTCTCACTGGCATTTTTGGAGGTTAAAG[G>A]TGATCCATTGTGGGAGTGGAGAGAGGTTGTGTCAATCCCTAGTGCTGCTAGCACCTGCGA-3'
Protein context (NP_006505.4, residues 439-459): TTSLHSHNGS[Pro449Ser]LTSKNASERR

ClinVar aggregate classification (germline): Uncertain significance (1 of 4 stars; one submission).

Conditions:
Brugada syndrome. Also called: Sudden unexpected nocturnal death syndrome; Sudden Unexplained Death Syndrome; Sudden Unexplained Nocturnal Death Syndrome (SUNDS); Sudden unexplained nocturnal death syndrome. Identifiers: Orphanet 130, MedGen C1142166, MONDO:0015263.

Allele frequency attached by ClinVar (database versions not stated): gnomAD exomes below 0.00001.
gnomAD v4.1: 1 of 1,614,202 alleles (0.000062%); highest among the groups gnomAD compares: Non-Finnish European, 0.000085%; no homozygotes.

Submission:

Labcorp Genetics (formerly Invitae), Labcorp
Classification: Uncertain significance for Brugada syndrome. Last evaluated: 2022-08-16. Review status: criteria provided, single submitter. Criteria: Invitae Variant Classification Sherloc (09022015). Collection method: clinical testing. Allele origin: germline.
Comment: This variant has not been reported in the literature in individuals affected with SCN10A-related conditions. In summary, the available evidence is currently insufficient to determine the role of this variant in disease. Therefore, it has been classified as a Variant of Uncertain Significance. Advanced modeling of protein sequence and biophysical properties (such as structural, functional, and spatial information, amino acid conservation, physicochemical variation, residue mobility, and thermodynamic stability) performed at Invitae indicates that this missense variant is not expected to disrupt SCN10A protein function. ClinVar contains an entry for this variant (Variation ID: 1474032). This variant is not present in population databases (gnomAD no frequency). This sequence change replaces proline, which is neutral and non-polar, with serine, which is neutral and polar, at codon 449 of the SCN10A protein (p.Pro449Ser).